The following is an entry in ClinVar:

ClinVar aggregate classification (germline): Conflicting classifications of pathogenicity. Review status: criteria provided, conflicting classifications (1 of 4 stars). 4 submissions from 4 submitters: Likely pathogenic (1); Uncertain significance (3). Last evaluated 2025-09-17.

Conditions:
Charcot-Marie-Tooth disease dominant intermediate C (CMTDIC). Also called: CHARCOT-MARIE-TOOTH NEUROPATHY, DOMINANT INTERMEDIATE C. Identifiers: Orphanet 100045, MedGen C1842237, MONDO:0012012, OMIM 608323.

Submissions (4):

Concord Molecular Medicine Laboratory, Concord Repatriation General Hospital
Classification: Likely pathogenic for Charcot-Marie-Tooth disease dominant intermediate C. Last evaluated: 2025-09-17. Review status: criteria provided, single submitter. Criteria: ACMG Guidelines, 2015. Collection method: clinical testing. Allele origin: germline. Inheritance: Autosomal dominant inheritance. Affected: yes.
Comment: Family segregation studies confirmed this variant to be de novo (parentage not genetically confirmed). This missense variant has been described in three affected individuals in two families with peripheral neuropathy. The variant is located within the tyrosine-tRNA ligase domain and in silico analysis suggests this variant to be pathogenic (REVEL score: 0.9). The current evidence allows a classification of this variant as likely pathogenic (ACMG criteria: PM6, PS4_moderate, PP3_moderate, PM2_supporting).

GeneDx
Classification: Uncertain significance. Last evaluated: 2024-11-12. Review status: criteria provided, single submitter. Criteria: GeneDx Variant Classification Process June 2021. Collection method: clinical testing. Allele origin: germline. Affected: yes.
Comment: Identified in several individuals with clinical features of Charcot-Marie-Tooth disease, however detailed clinical and segregation information were not provided for all individuals (PMID: 34813128); Not observed at significant frequency in large population cohorts (gnomAD); In silico analysis supports that this missense variant has a deleterious effect on protein structure/function; This variant is associated with the following publications: (PMID: 34813128)

Labcorp Genetics (formerly Invitae), Labcorp
Classification: Uncertain significance for Charcot-Marie-Tooth disease dominant intermediate C. Last evaluated: 2023-08-02. Review status: criteria provided, single submitter. Criteria: Invitae Variant Classification Sherloc (09022015). Collection method: clinical testing. Allele origin: germline.
Comment: This sequence change replaces tyrosine, which is neutral and polar, with cysteine, which is neutral and slightly polar, at codon 166 of the YARS protein (p.Tyr166Cys). Advanced modeling of protein sequence and biophysical properties (such as structural, functional, and spatial information, amino acid conservation, physicochemical variation, residue mobility, and thermodynamic stability) performed at Invitae indicates that this missense variant is expected to disrupt YARS protein function. In summary, the available evidence is currently insufficient to determine the role of this variant in disease. Therefore, it has been classified as a Variant of Uncertain Significance. ClinVar contains an entry for this variant (Variation ID: 1163138). This missense change has been observed in individuals with clinical features of Charcot-Marie-Tooth disease (PMID: 34813128; Invitae). This variant is not present in population databases (gnomAD no frequency).

Mayo Clinic Laboratories, Mayo Clinic
Classification: Uncertain significance. Last evaluated: 2019-09-25. Review status: criteria provided, single submitter. Criteria: ACMG Guidelines, 2015. Collection method: clinical testing. Allele origin: germline. Observed: 1 variant allele.

Literature cited by the submitters: PubMed 34813128 (cited by Labcorp Genetics (formerly Invitae), Labcorp).

NM_003680.4(YARS1):c.497A>G (p.Tyr166Cys)

Gene: YARS1 (tyrosyl-tRNA synthetase 1; minus strand). Cytogenetic location: 1p35.1.
Variant type: single nucleotide variant.
Coding change: c.497A>G on transcript NM_003680.4 (MANE Select); coding-DNA position 497, A replaced by G.
Protein change: p.Tyr166Cys; replaces tyrosine 166 with cysteine.
Molecular consequence: missense variant.
Genome position (GRCh38, 1-based): chr1:32,806,495, T>C on the plus strand (A>G on the coding strand, the complement: YARS1 is on the minus strand). VCF-style: chr1-32806495-T-C. GRCh37 (hg19) VCF-style: chr1-33272096-T-C.
Other names: short protein forms Y166C.
Identifiers: ClinVar variation 1163138 (VCV001163138.15), dbSNP rs2148614924, ClinGen allele CA339686721.
Genomic context (GRCh38, chr1:32,806,495, plus strand): 5'-AACCAGAGCAGAAAAGGTCATCGGGCCACTCCATCCCCCTTAAGTACCTGCAGTCCGGGG[T>C]ATAAGAGGCCACTCAGCAAAGGGTGCTCCACCTGCTTTACCACCTCAGCTCCAGCCTTCT-3'
Protein context (NP_003671.1, residues 156-176): VEHPLLSGLL[Tyr166Cys]PGLQALDEEY